The following is an entry in ClinVar:

NM_001276270.2(MBD4):c.940dup (p.Glu314fs)

Gene: MBD4 (methyl-CpG binding domain 4, DNA glycosylase; minus strand). Cytogenetic location: 3q21.3.
Variant type: Duplication.
Coding change: c.940dup on transcript NM_001276270.2 (MANE Select); coding-DNA position 940, one base duplicated (G; older notation c.940dupG).
Protein change: p.Glu314fs; shifts the reading frame from glutamic acid 314.
Molecular consequence: frameshift variant. On other transcripts: intron variant (1).
Genome position (GRCh38, 1-based): chr3:129,436,704, C duplicated on the plus strand (G on the coding strand, the reverse complement: MBD4 is on the minus strand). VCF-style (leftmost placement, unchanged base first): chr3-129436703-T-TC. GRCh37 (hg19) VCF-style: chr3-129155546-T-TC.
Other names: c.940dup, p.Glu314fs (NM_001276271.2, NM_001276272.2, NM_003925.3); c.247+1104dup (NM_001276273.2); c.940dupG (NM_001276270.2); short protein forms E314fs.
Identifiers: ClinVar variation 4844103 (VCV004844103.1).
Genomic context (GRCh38, chr3:129,436,703, plus strand): 5'-TTTATGATGCCAGAAGTTTTTTGTTCAGAACAAAAATTTGATCCTGAACTCAATGATCTT[T>TC]CTTTTTTTTTTACAAGGCTGTTTTCTTCACTGGTCACACTGAGGGTCTCACCACATGCTC-3'

ClinVar aggregate classification (germline): Pathogenic (1 of 4 stars; one submission).

Conditions:
Inborn genetic diseases. Identifiers: MedGen C0950123, MeSH D030342.

Submission:

Ambry Genetics
Classification: Pathogenic for Inborn genetic diseases. Last evaluated: 2025-12-26. Review status: criteria provided, single submitter. Criteria: Ambry Variant Classification Scheme 2023. Collection method: clinical testing. Allele origin: germline.
Comment: The c.940dupG pathogenic mutation, located in coding exon 3 of the MBD4 gene, results from a duplication of G at nucleotide position 940, causing a translational frameshift with a predicted alternate stop codon (p.E314Gfs*13). This variant is considered to be rare based on population cohorts in the Genome Aggregation Database (gnomAD). This alteration is expected to result in loss of function by premature protein truncation or nonsense-mediated mRNA decay. As such, this alteration is interpreted as a disease-causing mutation.